The following is an entry in ClinVar:

ClinVar aggregate classification (germline): Benign (1 of 4 stars; one submission).

Conditions:
Factor XIII, A subunit, deficiency of. Also called: Factor XIII subunit A deficiency. Identifiers: Orphanet 331, MedGen C2750514, MONDO:0013187, OMIM 613225, HP:0040233.

Allele frequency attached by ClinVar (database versions not stated): gnomAD exomes 0.00529; gnomAD 0.04333 and 0.04624; 1000 Genomes Project 0.04872; TOPMed 0.04951; 1000 Genomes Project 30x 0.05418.
gnomAD v4.1: 9,068 of 603,460 alleles (1.5%); highest among the groups gnomAD compares: African/African-American, 15%; 650 homozygotes.

Submission:

Illumina Laboratory Services, Illumina
Classification: Benign for Factor XIII, A subunit, deficiency of. Last evaluated: 2018-01-13. Review status: criteria provided, single submitter. Criteria: ICSL Variant Classification Criteria 13 December 2019. Collection method: clinical testing. Allele origin: germline.
Comment: This variant was observed in the ICSL laboratory as part of a predisposition screen in an ostensibly healthy population. It had not been previously curated by ICSL or reported in the Human Gene Mutation Database (HGMD: prior to June 1st, 2018), and was therefore a candidate for classification through an automated scoring system. Utilizing variant allele frequency, disease prevalence and penetrance estimates, and inheritance mode, an automated score was calculated to assess if this variant is too frequent to cause the disease. Based on the score and internal cut-off values, a variant classified as benign is not then subjected to further curation. The score for this variant resulted in a classification of benign for this disease.

NM_000129.4(F13A1):c.*221G>A

Gene: F13A1 (coagulation factor XIII A chain; minus strand). Cytogenetic location: 6p25.1.
Variant type: single nucleotide variant.
Coding change: c.*221G>A on transcript NM_000129.4 (MANE Select); 221 bases downstream of the stop codon, G replaced by A.
Molecular consequence: 3 prime UTR variant.
Genome position (GRCh38, 1-based): chr6:6,145,398, C>T on the plus strand (G>A on the coding strand, the complement: F13A1 is on the minus strand). VCF-style: chr6-6145398-C-T. GRCh37 (hg19) VCF-style: chr6-6145631-C-T.
Identifiers: ClinVar variation 357661 (VCV000357661.5), dbSNP rs3024464, ClinGen allele CA10627330.